The following is an entry in ClinVar:

ClinVar aggregate classification (germline): Uncertain significance (1 of 4 stars; one submission).

Conditions:
Snijders Blok-Campeau syndrome. Also called: INTELLECTUAL DEVELOPMENTAL DISORDER WITH MACROCEPHALY, SPEECH DELAY, AND DYSMORPHIC FACIES. Identifiers: Orphanet 599082, MedGen C4748701, MONDO:0032600, OMIM 618205.

Allele frequency attached by ClinVar (database versions not stated): gnomAD exomes below 0.00001; TOPMed below 0.00001.

Submission:

3billion
Classification: Uncertain significance for Snijders Blok-Campeau syndrome. Last evaluated: 2023-02-23. Review status: criteria provided, single submitter. Criteria: ACMG Guidelines, 2015. Collection method: clinical testing. Allele origin: unknown. Affected: yes.
Comment: The variant is not observed in the gnomAD v2.1.1 dataset. Missense changes are a common disease-causing mechanism. In silico tool predictions suggest damaging effect of the variant on gene or gene product (REVEL: 0.29; 3Cnet: 0.77). Therefore, this variant is classified as VUS according to the recommendation of ACMG/AMP guideline.

NM_001005273.3(CHD3):c.3119T>C (p.Met1040Thr)

Gene: CHD3 (chromodomain helicase DNA binding protein 3; plus strand). Cytogenetic location: 17p13.1.
Variant type: single nucleotide variant.
Coding change: c.3119T>C on transcript NM_001005273.3 (MANE Select); coding-DNA position 3119, T replaced by C.
Protein change: p.Met1040Thr; replaces methionine 1040 with threonine.
Molecular consequence: missense variant.
Genome position (GRCh38, 1-based): chr17:7,900,992, T>C. VCF-style: chr17-7900992-T-C. GRCh37 (hg19) VCF-style: chr17-7804310-T-C.
Other names: c.3296T>C, p.Met1099Thr (NM_001005271.3); c.3119T>C, p.Met1040Thr (NM_005852.4); short protein forms M1040T, M1099T.
Identifiers: ClinVar variation 2444092 (VCV002444092.1), dbSNP rs1168126684, ClinGen allele CA397941124.